The following is an entry in ClinVar:

NM_000179.3(MSH6):c.3676G>T (p.Ala1226Ser)

Gene: MSH6 (mutS homolog 6; plus strand). Cytogenetic location: 2p16.3.
Variant type: single nucleotide variant.
Coding change: c.3676G>T on transcript NM_000179.3 (MANE Select); coding-DNA position 3676, G replaced by T.
Protein change: p.Ala1226Ser; replaces alanine 1226 with serine.
Molecular consequence: missense variant.
Genome position (GRCh38, 1-based): chr2:47,806,233, G>T. VCF-style: chr2-47806233-G-T. GRCh37 (hg19) VCF-style: chr2-48033372-G-T.
Other names: c.3676G>T, p.Ala1226Ser (NM_001406800.1, NM_001406808.1, NM_001406796.1 and 1 more transcripts); c.3379G>T, p.Ala1127Ser (NM_001406801.1, NM_001406805.1, NM_001406820.1 and 10 more transcripts); c.3772G>T, p.Ala1258Ser (NM_001406802.1, NM_001406795.1); c.2812G>T, p.Ala938Ser (NM_001406803.1); c.3598G>T, p.Ala1200Ser (NM_001406804.1); c.3151G>T, p.Ala1051Ser (NM_001406806.1, NM_001406807.1, NM_001406799.1); c.2770G>T, p.Ala924Ser (NM_001406823.1, NM_001406829.1, NM_001281493.2 and 6 more transcripts); c.3508G>T, p.Ala1170Ser (NM_001406826.1); and 7 more; short protein forms A1127S, A704S, A938S, A1168S, A1170S, A1200S, A175S, A541S.
Identifiers: ClinVar variation 1733839 (VCV001733839.2), dbSNP rs1064794746, ClinGen allele CA346760881.

ClinVar aggregate classification (germline): Uncertain significance (1 of 4 stars; one submission).

Conditions:
Hereditary cancer-predisposing syndrome. Also called: Neoplastic Syndromes, Hereditary; Tumor predisposition; Hereditary Cancer Syndrome; Hereditary neoplastic syndrome. Identifiers: Orphanet 140162, MedGen C0027672, MeSH D009386, MONDO:0015356.

Submission:

Ambry Genetics
Classification: Uncertain significance for Hereditary cancer-predisposing syndrome. Last evaluated: 2020-06-22. Review status: criteria provided, single submitter. Criteria: Ambry Variant Classification Scheme 2023. Collection method: clinical testing. Allele origin: germline.
Comment: The p.A1226S variant (also known as c.3676G>T), located in coding exon 8 of the MSH6 gene, results from a G to T substitution at nucleotide position 3676. The alanine at codon 1226 is replaced by serine, an amino acid with similar properties. This amino acid position is highly conserved in available vertebrate species. In addition, this alteration is predicted to be deleterious by in silico analysis. Since supporting evidence is limited at this time, the clinical significance of this alteration remains unclear.